The following is an entry in ClinVar:

NM_001378454.1(ALMS1):c.635C>T (p.Ser212Phe)

Gene: ALMS1 (ALMS1 centrosome and basal body associated protein; plus strand). Cytogenetic location: 2p13.1.
Variant type: single nucleotide variant.
Coding change: c.635C>T on transcript NM_001378454.1 (MANE Select); coding-DNA position 635, C replaced by T.
Protein change: p.Ser212Phe; replaces serine 212 with phenylalanine.
Molecular consequence: missense variant.
Genome position (GRCh38, 1-based): chr2:73,419,307, C>T. VCF-style: chr2-73419307-C-T. GRCh37 (hg19) VCF-style: chr2-73646435-C-T.
Other names: c.638C>T, p.Ser213Phe (NM_015120.4); short protein forms S212F, S213F.
Identifiers: ClinVar variation 1492614 (VCV001492614.3), dbSNP rs2103701987, ClinGen allele CA347259415.

ClinVar aggregate classification (germline): Uncertain significance (1 of 4 stars; one submission).

Conditions:
Alstrom syndrome (ALMS). Identifiers: Orphanet 64, MedGen C0268425, MONDO:0008763, OMIM 203800.

Allele frequency attached by ClinVar (database versions not stated): gnomAD exomes 0.00001.
gnomAD v4.1: 7 of 1,613,530 alleles (0.00043%); highest among the groups gnomAD compares: Non-Finnish European, 0.00059%; no homozygotes.

Submission:

Labcorp Genetics (formerly Invitae), Labcorp
Classification: Uncertain significance for Alstrom syndrome. Last evaluated: 2021-10-23. Review status: criteria provided, single submitter. Criteria: Invitae Variant Classification Sherloc (09022015). Collection method: clinical testing. Allele origin: germline.
Comment: This sequence change replaces serine, which is neutral and polar, with phenylalanine, which is neutral and non-polar, at codon 213 of the ALMS1 protein (p.Ser213Phe). This variant is not present in population databases (gnomAD no frequency). This variant has not been reported in the literature in individuals affected with ALMS1-related conditions. Experimental studies and prediction algorithms are not available or were not evaluated, and the functional significance of this variant is currently unknown. In summary, the available evidence is currently insufficient to determine the role of this variant in disease. Therefore, it has been classified as a Variant of Uncertain Significance.